The following is an entry in ClinVar:

ClinVar aggregate classification (germline): Uncertain significance. Review status: criteria provided, multiple submitters, no conflicts (2 of 4 stars). 2 submissions from 2 submitters: Uncertain significance (2). Last evaluated 2024-12-30.

Conditions:
Multiple acyl-CoA dehydrogenase deficiency (MADD). Also called: ETHYLMALONIC-ADIPICACIDURIA; GA II; Glutaric aciduria, type 2; Glutaric acidemia type II; GA 2; Glutaric Acidemia type 2. Identifiers: Orphanet 26791, MedGen C0268596, MONDO:0009282, OMIM 231680.
Inborn genetic diseases. Identifiers: MedGen C0950123, MeSH D030342.

gnomAD v4.1: 1 of 1,612,808 alleles (0.000062%); no homozygotes.

Submissions (2):

Ambry Genetics
Classification: Uncertain significance for Inborn genetic diseases. Last evaluated: 2024-12-30. Review status: criteria provided, single submitter. Criteria: Ambry Variant Classification Scheme 2023. Collection method: clinical testing. Allele origin: germline.

Labcorp Genetics (formerly Invitae), Labcorp
Classification: Uncertain significance for Multiple acyl-CoA dehydrogenase deficiency. Last evaluated: 2022-03-26. Review status: criteria provided, single submitter. Criteria: Invitae Variant Classification Sherloc (09022015). Collection method: clinical testing. Allele origin: germline.
Comment: In summary, the available evidence is currently insufficient to determine the role of this variant in disease. Therefore, it has been classified as a Variant of Uncertain Significance. Algorithms developed to predict the effect of missense changes on protein structure and function (SIFT, PolyPhen-2, Align-GVGD) all suggest that this variant is likely to be disruptive. This variant has not been reported in the literature in individuals affected with ETFB-related conditions. This variant is not present in population databases (gnomAD no frequency). This sequence change replaces arginine, which is basic and polar, with leucine, which is neutral and non-polar, at codon 5 of the ETFB protein (p.Arg5Leu).

NM_001985.3(ETFB):c.14G>T (p.Arg5Leu)

Gene: ETFB (electron transfer flavoprotein subunit beta; minus strand). Cytogenetic location: 19q13.41.
Variant type: single nucleotide variant.
Coding change: c.14G>T on transcript NM_001985.3 (MANE Select); coding-DNA position 14, G replaced by T.
Protein change: p.Arg5Leu; replaces arginine 5 with leucine.
Molecular consequence: missense variant.
Genome position (GRCh38, 1-based): chr19:51,366,313, C>A on the plus strand (G>T on the coding strand, the complement: ETFB is on the minus strand). VCF-style: chr19-51366313-C-A. GRCh37 (hg19) VCF-style: chr19-51869567-C-A.
Other names: c.14G>T (NM_001985.2); short protein forms R5L.
Identifiers: ClinVar variation 1981665 (VCV001981665.5), dbSNP rs949269058, ClinGen allele CA309746130.